The following is an entry in ClinVar:

NM_001267550.2(TTN):c.52907_52908del (p.Glu17636fs)

Genes: TTN-AS1 (TTN antisense RNA 1; plus strand), TTN (titin; minus strand), LOC126806425 (BRD4-independent group 4 enhancer GRCh37_chr2:179471933-179473132; plus strand). Cytogenetic location: 2q31.2.
Variant type: Microsatellite.
Coding change: c.52907_52908del on transcript NM_001267550.2 (MANE Select); coding-DNA positions 52907 to 52908, 2 bases deleted (AG; older notation c.52907_52908delAG).
Protein change: p.Glu17636fs; shifts the reading frame from glutamic acid 17636.
Molecular consequence: frameshift variant.
Genome position (GRCh38, 1-based): chr2:178,607,879-178,607,880, CT deleted on the plus strand (AG on the coding strand, the reverse complement: TTN is on the minus strand); deleting any 2 consecutive bases within chr2:178,607,879-178,607,883 gives the same sequence; the c. name uses the placement nearest the transcript's 3' end. VCF-style (leftmost placement, unchanged base first): chr2-178607878-CCT-C. GRCh37 (hg19) VCF-style: chr2-179472605-CCT-C.
Other names: c.47984_47985del, p.Glu15995fs (NM_001256850.1); c.25712_25713del, p.Glu8571fs (NM_003319.4); c.45203_45204del, p.Glu15068fs (NM_133378.4); c.26087_26088del, p.Glu8696fs (NM_133432.3); c.26288_26289del, p.Glu8763fs (NM_133437.4); short protein forms E15995fs, E15068fs, E17636fs, E8763fs, E8571fs, E8696fs.
Identifiers: ClinVar variation 4786822 (VCV004786822.1).

ClinVar aggregate classification (germline): Likely pathogenic (1 of 4 stars; one submission).

Conditions:
Autosomal recessive limb-girdle muscular dystrophy type 2J (LGMDR10). Also called: Limb-girdle muscular dystrophy, type 2J; MUSCULAR DYSTROPHY, LIMB-GIRDLE, AUTOSOMAL RECESSIVE 10. Identifiers: Orphanet 140922, MedGen C1837342, MONDO:0012127, OMIM 608807.
Dilated cardiomyopathy 1G (CMD1G). Identifiers: Orphanet 154, MedGen C1858763, MONDO:0011400, OMIM 604145.

Submission:

Labcorp Genetics (formerly Invitae), Labcorp
Classification: Likely pathogenic for Dilated cardiomyopathy 1G; Autosomal recessive limb-girdle muscular dystrophy type 2J. Last evaluated: 2025-11-26. Review status: criteria provided, single submitter. Criteria: Invitae Variant Classification Sherloc (09022015). Collection method: clinical testing. Allele origin: germline.
Comment: This sequence change creates a premature translational stop signal (p.Glu17636Glyfs*3) in the TTN gene. While this is not anticipated to result in nonsense mediated decay, it is expected to create a truncated TTN protein. This variant is not present in population databases (gnomAD no frequency). This variant has not been reported in the literature in individuals affected with TTN-related conditions. This variant is located in the A band of TTN (PMID: 25589632). Truncating variants in this region are significantly overrepresented in patients affected with dilated cardiomyopathy (PMID: 25589632). Truncating variants in this region have also been reported in individuals affected with autosomal recessive centronuclear myopathy (PMID: 23975875). In summary, the currently available evidence indicates that the variant is pathogenic, but additional data are needed to prove that conclusively. Therefore, this variant has been classified as Likely Pathogenic.

Literature cited by the submitters: PubMed 25589632; PubMed 23975875.